The following is an entry in ClinVar:

ClinVar aggregate classification (germline): Uncertain significance (1 of 4 stars; one submission).

Submission:

GeneDx
Classification: Uncertain significance. Last evaluated: 2021-04-21. Review status: criteria provided, single submitter. Criteria: GeneDx Variant Classification Process June 2021. Collection method: clinical testing. Allele origin: germline. Affected: yes.
Comment: Not observed in large population cohorts (Lek et al., 2016); In silico analysis supports that this missense variant has a deleterious effect on protein structure/function; Has not been previously published as pathogenic or benign to our knowledge

NM_032228.6(FAR1):c.1511T>G (p.Leu504Trp)

Gene: FAR1 (fatty acyl-CoA reductase 1; plus strand). Cytogenetic location: 11p15.3.
Variant type: single nucleotide variant.
Coding change: c.1511T>G on transcript NM_032228.6 (MANE Select); coding-DNA position 1511, T replaced by G.
Protein change: p.Leu504Trp; replaces leucine 504 with tryptophan.
Molecular consequence: missense variant.
Genome position (GRCh38, 1-based): chr11:13,728,737, T>G. VCF-style: chr11-13728737-T-G. GRCh37 (hg19) VCF-style: chr11-13750284-T-G.
Other names: short protein forms L504W.
Identifiers: ClinVar variation 1303666 (VCV001303666.2), dbSNP rs2134204271, ClinGen allele CA379859544.